The following is an entry in ClinVar:

ClinVar aggregate classification (germline): Likely benign. Review status: criteria provided, multiple submitters, no conflicts (2 of 4 stars). 2 submissions from 2 submitters: Likely benign (2). Last evaluated 2026-08-18.

Conditions:
ADAMTSL4-related disorder. Also called: ADAMTSL4-related condition; ADAMTSL4-Related Disorders.

Allele frequency attached by ClinVar (database versions not stated): gnomAD exomes below 0.00001; TOPMed below 0.00001.
gnomAD v4.1: 1 of 1,613,218 alleles (0.000062%); highest among the groups gnomAD compares: Admixed American, 0.0017%; no homozygotes.

Submissions (2):

PreventionGenetics, part of Exact Sciences
Classification: Likely benign for ADAMTSL4-related condition. Last evaluated: 2026-08-18. Review status: criteria provided, single submitter. Criteria: ACMG Guidelines, 2015. Collection method: clinical testing. Allele origin: germline.
Comment: This variant is classified as likely benign based on ACMG/AMP sequence variant interpretation guidelines (Richards et al. 2015 PMID: 25741868, with internal and published modifications).

Labcorp Genetics (formerly Invitae), Labcorp
Classification: Likely benign. Last evaluated: 2023-07-15. Review status: criteria provided, single submitter. Criteria: Invitae Variant Classification Sherloc (09022015). Collection method: clinical testing. Allele origin: germline.

NM_019032.6(ADAMTSL4):c.2310C>T (p.Pro770=)

Gene: ADAMTSL4 (ADAMTS like 4; plus strand). Cytogenetic location: 1q21.2.
Variant type: single nucleotide variant.
Coding change: c.2310C>T on transcript NM_019032.6 (MANE Select); coding-DNA position 2310, C replaced by T.
Protein change: p.Pro770=; no amino-acid change (proline 770 retained).
Molecular consequence: synonymous variant.
Genome position (GRCh38, 1-based): chr1:150,558,077, C>T. VCF-style: chr1-150558077-C-T. GRCh37 (hg19) VCF-style: chr1-150530553-C-T.
Other names: c.2193C>T, p.Pro731= (NM_001288607.2); c.2379C>T, p.Pro793= (NM_001288608.2); c.2310C>T, p.Pro770= (NM_001378596.1, NM_025008.5); c.2310C>T (NM_019032.5).
Identifiers: ClinVar variation 2817116 (VCV002817116.4), dbSNP rs1359481311, ClinGen allele CA420690018.